The following is an entry in ClinVar:

ClinVar aggregate classification (germline): Uncertain significance (1 of 4 stars; one submission).

gnomAD v4.1: 8 of 1,551,150 alleles (0.00052%); highest among the groups gnomAD compares: Non-Finnish European, 0.00061%; no homozygotes.

Submission:

Labcorp Genetics (formerly Invitae), Labcorp
Classification: Uncertain significance. Last evaluated: 2022-06-30. Review status: criteria provided, single submitter. Criteria: Invitae Variant Classification Sherloc (09022015). Collection method: clinical testing. Allele origin: germline.
Comment: In summary, the available evidence is currently insufficient to determine the role of this variant in disease. Therefore, it has been classified as a Variant of Uncertain Significance. Algorithms developed to predict the effect of sequence changes on RNA splicing suggest that this variant may disrupt the consensus splice site. This variant has not been reported in the literature in individuals affected with CACNA2D4-related conditions. This variant is not present in population databases (gnomAD no frequency). This sequence change falls in intron 34 of the CACNA2D4 gene. It does not directly change the encoded amino acid sequence of the CACNA2D4 protein.

NM_172364.5(CACNA2D4):c.2996-9C>A

Gene: CACNA2D4 (calcium voltage-gated channel auxiliary subunit alpha2delta 4; minus strand). Cytogenetic location: 12p13.33.
Variant type: single nucleotide variant.
Coding change: c.2996-9C>A on transcript NM_172364.5 (MANE Select); 9 bases into the intron before coding-DNA position 2996, C replaced by A.
Molecular consequence: intron variant.
Genome position (GRCh38, 1-based): chr12:1,797,544, G>T on the plus strand (C>A on the coding strand, the complement: CACNA2D4 is on the minus strand). VCF-style: chr12-1797544-G-T. GRCh37 (hg19) VCF-style: chr12-1906710-G-T.
Identifiers: ClinVar variation 1972377 (VCV001972377.5), dbSNP rs369462143, ClinGen allele CA2575043024.